The following is an entry in ClinVar:

NM_001127511.3(APC):c.-200C>T

Genes: APC (APC regulator of Wnt signaling pathway; plus strand), LOC129994371 (ATAC-STARR-seq lymphoblastoid active region 22910; plus strand). Cytogenetic location: 5q22.2.
Variant type: single nucleotide variant.
Coding change: c.-200C>T on transcript NM_001127511.3; 200 bases upstream of the start codon, C replaced by T.
Molecular consequence: 5 prime UTR variant. On other transcripts: non-coding transcript variant (2).
Genome position (GRCh38, 1-based): chr5:112,707,518, C>T. VCF-style: chr5-112707518-C-T. GRCh37 (hg19) VCF-style: chr5-112043215-C-T.
Other names: c.-383C>T (NM_001354895.2, NM_001407447.1, NM_001407452.1 and 3 more transcripts); c.-200C>T (NM_001354897.2, NM_001354902.2, NM_001407446.1); c.-150C>T (NM_001407448.1, NM_001407450.1, NM_001407457.1 and 1 more transcripts); c.-174C>T (NM_001407453.1); c.-1418C>T (NM_001407470.1, NM_001407472.1).
Identifiers: ClinVar variation 1062677 (VCV001062677.7), dbSNP rs1460379840, ClinGen allele CA802057019.

ClinVar aggregate classification (germline): Uncertain significance (1 of 4 stars; one submission).

Conditions:
Familial adenomatous polyposis 1 (FAP1). Also called: FAMILIAL ADENOMATOUS POLYPOSIS 1, ATTENUATED; POLYPOSIS, ADENOMATOUS INTESTINAL. Identifiers: MedGen C2713442, MONDO:0021056, OMIM 175100. Disease mechanism: loss of function.

Allele frequency attached by ClinVar (database versions not stated): gnomAD 0.00001; TOPMed 0.00001; gnomAD exomes below 0.00001.
gnomAD v4.1: 2 of 469,128 alleles (0.00043%); highest among the groups gnomAD compares: African/African-American, 0.0039%; no homozygotes.

Submission:

Labcorp Genetics (formerly Invitae), Labcorp
Classification: Uncertain significance for Familial adenomatous polyposis 1. Last evaluated: 2024-10-28. Review status: criteria provided, single submitter. Criteria: Invitae Variant Classification Sherloc (09022015). Collection method: clinical testing. Allele origin: germline.
Comment: This variant occurs in a non-coding region of the APC gene. It does not change the encoded amino acid sequence of the APC protein. This variant is not present in population databases (gnomAD no frequency). This variant has not been reported in the literature in individuals affected with APC-related conditions. Experimental studies and prediction algorithms are not available or were not evaluated, and the functional significance of this variant is currently unknown. In summary, the available evidence is currently insufficient to determine the role of this variant in disease. Therefore, it has been classified as a Variant of Uncertain Significance.